The following is an entry in ClinVar:

NM_002661.5(PLCG2):c.876G>A (p.Thr292=)

Gene: PLCG2 (phospholipase C gamma 2; plus strand). Cytogenetic location: 16q23.3.
Variant type: single nucleotide variant.
Coding change: c.876G>A on transcript NM_002661.5 (MANE Select); coding-DNA position 876, G replaced by A.
Protein change: p.Thr292=; no amino-acid change (threonine 292 retained).
Molecular consequence: synonymous variant.
Genome position (GRCh38, 1-based): chr16:81,891,480, G>A. VCF-style: chr16-81891480-G-A. GRCh37 (hg19) VCF-style: chr16-81925085-G-A.
Identifiers: ClinVar variation 761825 (VCV000761825.11), dbSNP rs375222873, ClinGen allele CA285126090.

ClinVar aggregate classification (germline): Likely benign. Review status: criteria provided, single submitter (1 of 4 stars). 2 submissions from 2 submitters: Likely benign (1). 1 of the submissions does not count toward it. Last evaluated 2026-01-06.

Conditions:
Familial cold autoinflammatory syndrome 3 (FCAS3). Also called: FAMILIAL ATYPICAL COLD URTICARIA; ANTIBODY DEFICIENCY AND IMMUNE DYSREGULATION, PLCG2-ASSOCIATED. Identifiers: Orphanet 300359, MedGen C3280914, MONDO:0013766, OMIM 614468.
PLCG2-related disorder. Also called: PLCG2-related condition.

Allele frequency attached by ClinVar (database versions not stated): gnomAD exomes 0.00002; gnomAD 0.00003 and 0.00004; TOPMed 0.00003.
gnomAD v4.1: 38 of 1,576,322 alleles (0.0024%); highest among the groups gnomAD compares: Admixed American, 0.0083%; no homozygotes.

Submissions (2):

Labcorp Genetics (formerly Invitae), Labcorp
Classification: Likely benign for Familial cold autoinflammatory syndrome 3. Last evaluated: 2026-01-06. Review status: criteria provided, single submitter. Criteria: Invitae Variant Classification Sherloc (09022015). Collection method: clinical testing. Allele origin: germline.

PreventionGenetics, part of Exact Sciences
Classification: Likely benign for PLCG2-related condition. Last evaluated: 2024-09-24. Review status: no assertion criteria provided. Collection method: clinical testing. Allele origin: germline. Not counted in ClinVar's aggregate classification.
Comment: This variant is classified as likely benign based on ACMG/AMP sequence variant interpretation guidelines (Richards et al. 2015 PMID: 25741868, with internal and published modifications).